The following is an entry in ClinVar:

NM_015506.3(MMACHC):c.36del (p.Ile12fs)

Gene: MMACHC (metabolism of cobalamin associated C; plus strand). Cytogenetic location: 1p34.1.
Variant type: Deletion.
Coding change: c.36del on transcript NM_015506.3 (MANE Select); coding-DNA position 36, one base deleted (C; older notation c.36delC).
Protein change: p.Ile12fs; shifts the reading frame from isoleucine 12.
Molecular consequence: frameshift variant. On other transcripts: 5 prime UTR variant (1).
Genome position (GRCh38, 1-based): chr1:45,500,368, C deleted. VCF-style (leftmost placement, unchanged base first): chr1-45500367-TC-T. GRCh37 (hg19) VCF-style: chr1-45966039-TC-T.
Other names: c.-187del (NM_001330540.2); short protein forms I12fs.
Identifiers: ClinVar variation 2824664 (VCV002824664.3), dbSNP rs2522798017, ClinGen allele CA2739272537.

ClinVar aggregate classification (germline): Pathogenic (1 of 4 stars; one submission).

Conditions:
Cobalamin C disease. Also called: Methylmalonic aciduria with homocystinuria cblC type; Cobalamin-C methylmalonic acidemia and homocystinuria; Methylmalonic acidemia and homocystinuria cblC type; methylmalonic aciduria and homocystinuria type cblC; Methylmalonic aciduria and homocystinuria, Vitamin B12-responsive; Vitamin B12 metabolic defect with combined deficiency of methylmalonyl-CoA mutase and homocysteine:methyltetrahydrofolate methyltransferase. Identifiers: Orphanet 26, Orphanet 79282, MedGen C1848561, MONDO:0010184, OMIM 277400.

Submission:

Labcorp Genetics (formerly Invitae), Labcorp
Classification: Pathogenic for Cobalamin C disease. Last evaluated: 2022-12-29. Review status: criteria provided, single submitter. Criteria: Invitae Variant Classification Sherloc (09022015). Collection method: clinical testing. Allele origin: germline.
Comment: This sequence change creates a premature translational stop signal (p.Ile12Metfs*64) in the MMACHC gene. It is expected to result in an absent or disrupted protein product. Loss-of-function variants in MMACHC are known to be pathogenic (PMID: 16311595). For these reasons, this variant has been classified as Pathogenic. This variant has not been reported in the literature in individuals affected with MMACHC-related conditions. This variant is not present in population databases (gnomAD no frequency).

Literature cited by the submitters: PubMed 16311595.